The following is an entry in ClinVar:

ClinVar aggregate classification (germline): Uncertain significance (1 of 4 stars; one submission).

Submission:

Ambry Genetics
Classification: Uncertain significance. Last evaluated: 2026-07-30. Review status: criteria provided, single submitter. Criteria: Ambry Variant Classification Scheme 2023. Collection method: clinical testing. Allele origin: germline.
Comment: The p.D1740V variant (also known as c.5219A>T), located in coding exon 45 of the KIF1B gene, results from an A to T substitution at nucleotide position 5219. The aspartic acid at codon 1740 is replaced by valine, an amino acid with highly dissimilar properties. This amino acid position is conserved. In addition, the in silico prediction for this alteration is inconclusive. Based on the available evidence, the clinical significance of this variant remains unclear.

NM_001365951.3(KIF1B):c.5357A>T (p.Asp1786Val)

Gene: KIF1B (kinesin family member 1B; plus strand). Cytogenetic location: 1p36.22.
Variant type: single nucleotide variant.
Coding change: c.5357A>T on transcript NM_001365951.3 (MANE Select); coding-DNA position 5357, A replaced by T.
Protein change: p.Asp1786Val; replaces aspartic acid 1786 with valine.
Molecular consequence: missense variant.
Genome position (GRCh38, 1-based): chr1:10,375,322, A>T. VCF-style: chr1-10375322-A-T. GRCh37 (hg19) VCF-style: chr1-10435380-A-T.
Other names: c.5357A>T, p.Asp1786Val (NM_001365952.1); c.5219A>T, p.Asp1740Val (NM_015074.3); short protein forms D1740V, D1786V.
Identifiers: ClinVar variation 5023206 (VCV005023206.1).
Genomic context (GRCh38, chr1:10,375,322, plus strand): 5'-ACACCTTTGCTGTCTGCACAAAGCACCGTGGGGTCCTTTTGCAGGCCCTCAATGACAAAG[A>T]CATGAACGACTGGTTGTATGCCTTCAACCCACTTCTAGCTGGCACAATACGGTAAGAAGT-3'
Protein context (NP_001352880.1, residues 1776-1796): GVLLQALNDK[Asp1786Val]MNDWLYAFNP